The following is an entry in ClinVar:

NM_000748.3(CHRNB2):c.880G>A (p.Val294Met)

Gene: CHRNB2 (cholinergic receptor nicotinic beta 2 subunit; plus strand). Cytogenetic location: 1q21.3.
Variant type: single nucleotide variant.
Coding change: c.880G>A on transcript NM_000748.3 (MANE Select); coding-DNA position 880, G replaced by A.
Protein change: p.Val294Met; replaces valine 294 with methionine.
Molecular consequence: missense variant.
Genome position (GRCh38, 1-based): chr1:154,571,703, G>A. VCF-style: chr1-154571703-G-A. GRCh37 (hg19) VCF-style: chr1-154544179-G-A.
Other names: short protein forms V294M.
Identifiers: ClinVar variation 2768938 (VCV002768938.3), dbSNP rs1345782620, ClinGen allele CA342631025.

ClinVar aggregate classification (germline): Uncertain significance (1 of 4 stars; one submission).

Conditions:
Familial sleep-related hypermotor epilepsy. Also called: Autosomal Dominant Sleep-Related Hypermotor (Hyperkinetic) Epilepsy. Identifiers: Orphanet 98784, MedGen C3696898, MONDO:0000030.

Submission:

Labcorp Genetics (formerly Invitae), Labcorp
Classification: Uncertain significance. Last evaluated: 2023-10-16. Review status: criteria provided, single submitter. Criteria: Invitae Variant Classification Sherloc (09022015). Collection method: clinical testing. Allele origin: germline.
Comment: This sequence change replaces valine, which is neutral and non-polar, with methionine, which is neutral and non-polar, at codon 294 of the CHRNB2 protein (p.Val294Met). This variant is not present in population databases (gnomAD no frequency). This variant has not been reported in the literature in individuals affected with CHRNB2-related conditions. Advanced modeling of protein sequence and biophysical properties (such as structural, functional, and spatial information, amino acid conservation, physicochemical variation, residue mobility, and thermodynamic stability) performed at Invitae indicates that this missense variant is not expected to disrupt CHRNB2 protein function. In summary, the available evidence is currently insufficient to determine the role of this variant in disease. Therefore, it has been classified as a Variant of Uncertain Significance.